The following is an entry in ClinVar:

NM_006031.6(PCNT):c.345G>A (p.Glu115=)

Gene: PCNT (pericentrin; plus strand). Cytogenetic location: 21q22.3.
Variant type: single nucleotide variant.
Coding change: c.345G>A on transcript NM_006031.6 (MANE Select); coding-DNA position 345, G replaced by A.
Protein change: p.Glu115=; no amino-acid change (glutamic acid 115 retained).
Molecular consequence: synonymous variant. On other transcripts: 5 prime UTR variant (1).
Genome position (GRCh38, 1-based): chr21:46,334,474, G>A. VCF-style: chr21-46334474-G-A. GRCh37 (hg19) VCF-style: chr21-47754388-G-A.
Other names: c.345G>A (NM_006031.5); c.-10G>A (NM_001315529.2).
Identifiers: ClinVar variation 2961504 (VCV002961504.5), dbSNP rs1296779192, ClinGen allele CA513172265.

ClinVar aggregate classification (germline): Likely benign. Review status: criteria provided, single submitter (1 of 4 stars). 2 submissions from 2 submitters: Likely benign (1). 1 of the submissions does not count toward it. Last evaluated 2025-12-29.

Conditions:
PCNT-related disorder. Also called: PCNT-related condition.

Allele frequency attached by ClinVar (database versions not stated): TOPMed 0.00005; gnomAD 0.00003; gnomAD exomes 0.00001.
gnomAD v4.1: 15 of 1,614,042 alleles (0.00093%); highest among the groups gnomAD compares: Middle Eastern, 0.016%; no homozygotes.

Submissions (2):

Labcorp Genetics (formerly Invitae), Labcorp
Classification: Likely benign. Last evaluated: 2025-12-29. Review status: criteria provided, single submitter. Criteria: Invitae Variant Classification Sherloc (09022015). Collection method: clinical testing. Allele origin: germline.

PreventionGenetics, part of Exact Sciences
Classification: Likely benign for PCNT-related condition. Last evaluated: 2023-08-10. Review status: no assertion criteria provided. Collection method: clinical testing. Allele origin: germline. Not counted in ClinVar's aggregate classification.
Comment: This variant is classified as likely benign based on ACMG/AMP sequence variant interpretation guidelines (Richards et al. 2015 PMID: 25741868, with internal and published modifications).